The following is an entry in ClinVar:

ClinVar aggregate classification (germline): Uncertain significance. Review status: criteria provided, multiple submitters, no conflicts (2 of 4 stars). 2 submissions from 2 submitters: Uncertain significance (2). Last evaluated 2026-03-12.

Conditions:
Cardiomyopathy (CMYO). Also called: Cardiomyopathies. Identifiers: Orphanet 167848, MedGen C0878544, MONDO:0004994, HP:0001638. Inheritance: Various modes of inheritance.

Submissions (2):

GeneDx
Classification: Uncertain significance. Last evaluated: 2026-03-12. Review status: criteria provided, single submitter. Criteria: GeneDx Variant Classification Process June 2021. Collection method: clinical testing. Allele origin: germline.
Comment: Not observed at significant frequency in large population cohorts (gnomAD); In silico analysis supports that this missense variant has a deleterious effect on protein structure/function; Has not been previously published as pathogenic or benign to our knowledge

Color Diagnostics, LLC DBA Color Health
Classification: Uncertain significance for Cardiomyopathy. Last evaluated: 2025-07-28. Review status: criteria provided, single submitter. Criteria: ACMG Guidelines, 2015. Collection method: clinical testing. Allele origin: germline.
Comment: This missense variant replaces asparagine with tyrosine at codon 675 of the DSC2 protein. Computational prediction suggests that this variant may not impact protein structure and function. To our knowledge, functional studies have not been reported for this variant. This variant has not been reported in individuals affected with DSC2-related disorders in the literature. This variant has been identified in 1/31398 chromosomes in the general population by the Genome Aggregation Database (gnomAD). The available evidence is insufficient to determine the role of this variant in disease conclusively. Therefore, this variant is classified as a Variant of Uncertain Significance.

NM_024422.6(DSC2):c.2023A>T (p.Asn675Tyr)

Gene: DSC2 (desmocollin 2; minus strand). Cytogenetic location: 18q12.1.
Variant type: single nucleotide variant.
Coding change: c.2023A>T on transcript NM_024422.6 (MANE Select); coding-DNA position 2023, A replaced by T.
Protein change: p.Asn675Tyr; replaces asparagine 675 with tyrosine.
Molecular consequence: missense variant.
Genome position (GRCh38, 1-based): chr18:31,071,707, T>A on the plus strand (A>T on the coding strand, the complement: DSC2 is on the minus strand). VCF-style: chr18-31071707-T-A. GRCh37 (hg19) VCF-style: chr18-28651673-T-A.
Other names: c.2023A>T (NM_024422.3); c.1594A>T, p.Asn532Tyr (NM_001406506.1, NM_001406507.1); c.2023A>T, p.Asn675Tyr (NM_004949.5); short protein forms N532Y, N675Y.
Identifiers: ClinVar variation 4758554 (VCV004758554.2).